The following is an entry in ClinVar:

NM_000540.3(RYR1):c.12886C>T (p.Arg4296Trp)

Gene: RYR1 (ryanodine receptor 1; plus strand). Cytogenetic location: 19q13.2.
Variant type: single nucleotide variant.
Coding change: c.12886C>T on transcript NM_000540.3 (MANE Select); coding-DNA position 12886, C replaced by T.
Protein change: p.Arg4296Trp; replaces arginine 4296 with tryptophan.
Molecular consequence: missense variant.
Genome position (GRCh38, 1-based): chr19:38,565,220, C>T. VCF-style: chr19-38565220-C-T. GRCh37 (hg19) VCF-style: chr19-39055860-C-T.
Other names: c.12871C>T, p.Arg4291Trp (NM_001042723.2); short protein forms R4296W, R4291W.
Identifiers: ClinVar variation 521376 (VCV000521376.19), dbSNP rs995399684, ClinGen allele CA308109332.

ClinVar aggregate classification (germline): Uncertain significance. Review status: criteria provided, multiple submitters, no conflicts (2 of 4 stars). 8 submissions from 8 submitters: Uncertain significance (8). Last evaluated 2026-02-06.

Conditions:
Congenital myopathy with fiber type disproportion. Also called: Congenital fiber-type disproportion; Congenital fiber-type disproportion myopathy. Identifiers: Orphanet 2020, MedGen C0546264, MONDO:0009711. Inheritance: all.
Central core myopathy (CMYO1A). Also called: CONGENITAL MYOPATHY 1A, AUTOSOMAL DOMINANT, WITH SUSCEPTIBILITY TO MALIGNANT HYPERTHERMIA; Central core disease; Myopathy, central fibrillar. Identifiers: Orphanet 597, MedGen C5830701, MONDO:0007294, OMIM 117000.
Malignant hyperthermia, susceptibility to, 1 (MHS1). Also called: Malignant hyperthermia suceptibility 1; Anesthesia related hyperthermia; Malignant hyperpyrexia; Fulminating hyperpyrexia; Pharmacogenic myopathy; RYR1-Related Malignant Hyperthermia Susceptibility. Identifiers: Orphanet 423, MedGen C2930980, MONDO:0007783, OMIM 145600.
Congenital multicore myopathy with external ophthalmoplegia (CMYO1B). Also called: Congenital myopathy 1B, autosomal recessive; MULTIMINICORE DISEASE WITH EXTERNAL OPHTHALMOPLEGIA; Minicore myopathy; Minicore myopathy with external ophthalmoplegia; MULTICORE MYOPATHY. Identifiers: Orphanet 598, Orphanet 98905, MedGen C1850674, MONDO:0009712, OMIM 255320, HP:0003789.
King Denborough syndrome (KDS). Identifiers: MedGen C1840365, MONDO:0020485, OMIM 619542.
RYR1-related disorder. Also called: RYR1-related condition; RYR1-related disorders. Identifiers: MedGen CN239331.
Inborn genetic diseases. Identifiers: MedGen C0950123, MeSH D030342.

Allele frequency attached by ClinVar (database versions not stated): gnomAD exomes 0.00032 and 0.00490; TOPMed 0.00034; gnomAD 0.00035 and 0.00038; 1000 Genomes Project 30x 0.00094.
gnomAD v4.1: 327 of 990,082 alleles (0.033%); highest among the groups gnomAD compares: African/African-American, 0.062%; no homozygotes.

Submissions (8):

GeneDx
Classification: Uncertain significance. Last evaluated: 2026-02-06. Review status: criteria provided, single submitter. Criteria: GeneDx Variant Classification Process June 2021. Collection method: clinical testing. Allele origin: germline. Affected: yes.
Comment: Seen with a second RYR1 variant, phase unknown, in a clinically asymptomatic proband with undefined myopathic changes on muscle biopsy (PMID: 36833224); Observed in one individual from a cohort of patients with presumed RYR1-related myopathies; however, further clinical information was not provided (PMID: 32236737); In silico analysis supports that this missense variant does not alter protein structure/function; This variant is associated with the following publications: (PMID: 20681998, 37937776, 36833224, 32236737)

PreventionGenetics, part of Exact Sciences
Classification: Uncertain significance for RYR1-related condition. Last evaluated: 2025-09-03. Review status: criteria provided, single submitter. Criteria: ACMG Guidelines, 2015. Collection method: clinical testing. Allele origin: germline.
Comment: The RYR1 c.12886C>T variant is predicted to result in the amino acid substitution p.Arg4296Trp. This variant has been reported in an individual with myopathic changes (Table S1. Dosi et al. 2023. PubMed ID: 36833224). This variant is reported in 0.0618% of alleles in individuals of African descent in gnomAD v4. At this time, the clinical significance of this variant is uncertain due to the absence of conclusive functional and genetic evidence.

Labcorp Genetics (formerly Invitae), Labcorp
Classification: Uncertain significance for RYR1-related disorder. Last evaluated: 2025-01-07. Review status: criteria provided, single submitter. Criteria: Invitae Variant Classification Sherloc (09022015). Collection method: clinical testing. Allele origin: germline.
Comment: This sequence change replaces arginine, which is basic and polar, with tryptophan, which is neutral and slightly polar, at codon 4296 of the RYR1 protein (p.Arg4296Trp). This variant is present in population databases (no rsID available, gnomAD 50%). This missense change has been observed in individual(s) with clinical features of RYR1-related conditions (PMID: 32236737, 36833224). ClinVar contains an entry for this variant (Variation ID: 521376). Invitae Evidence Modeling of protein sequence and biophysical properties (such as structural, functional, and spatial information, amino acid conservation, physicochemical variation, residue mobility, and thermodynamic stability) indicates that this missense variant is not expected to disrupt RYR1 protein function with a negative predictive value of 80%. In summary, the available evidence is currently insufficient to determine the role of this variant in disease. Therefore, it has been classified as a Variant of Uncertain Significance.

Blueprint Genetics
Classification: Uncertain significance. Last evaluated: 2024-10-09. Review status: criteria provided, single submitter. Criteria: ACMG Guidelines, 2015. Collection method: clinical testing. Allele origin: germline.

Illumina Laboratory Services, Illumina
Classification: Uncertain significance for RYR1-related disorder. Last evaluated: 2023-04-20. Review status: criteria provided, single submitter. Criteria: ICSLVariantClassificationCriteria RUGD 01 April 2020. Collection method: clinical testing. Allele origin: unknown.
Comment: The RYR1 c.12886C>T (p.Arg4296Trp) missense variant has not, to our knowledge, been reported in the peer-reviewed literature. The highest frequency of this allele in the Genome Aggregation Database is 0.000641 in the African/African American population (version 3.1.2). This frequency is high for autosomal dominant inheritance but may be consistent with autosomal recessive inheritance. Based on the available evidence, the c.12886C>T (p.Arg4296Trp) variant is classified as a variant of uncertain significance for RYR1-related disorders.

MGZ Medical Genetics Center
Classification: Uncertain significance for Central core myopathy. Last evaluated: 2022-08-12. Review status: criteria provided, single submitter. Criteria: ACMG Guidelines, 2015. Collection method: clinical testing. Allele origin: germline. Affected: yes. Observed: 1 variant allele.
Comment: ACMG criteria applied: PM2_SUP

Fulgent Genetics
Classification: Uncertain significance for Central core myopathy; Malignant hyperthermia, susceptibility to, 1; Congenital myopathy 4A, autosomal dominant; Congenital multicore myopathy with external ophthalmoplegia; King Denborough syndrome. Last evaluated: 2021-07-26. Review status: criteria provided, single submitter. Criteria: ACMG Guidelines, 2015. Collection method: clinical testing. Allele origin: unknown.

Ambry Genetics
Classification: Uncertain significance for Inborn genetic diseases. Last evaluated: 2016-11-10. Review status: criteria provided, single submitter. Criteria: Ambry exome assertion method (8-5-2015). Collection method: clinical testing. Allele origin: germline. Affected: yes. Observed: 1 variant allele.

Literature cited by the submitters: PubMed 32236737 (cited by Labcorp Genetics (formerly Invitae), Labcorp); PubMed 36833224 (cited by Labcorp Genetics (formerly Invitae), Labcorp).